The following is an entry in ClinVar:

NM_015272.5(RPGRIP1L):c.3202G>A (p.Glu1068Lys)

Gene: RPGRIP1L (RPGRIP1 like; minus strand). Cytogenetic location: 16q12.2.
Variant type: single nucleotide variant.
Coding change: c.3202G>A on transcript NM_015272.5 (MANE Select); coding-DNA position 3202, G replaced by A.
Protein change: p.Glu1068Lys; replaces glutamic acid 1068 with lysine.
Molecular consequence: missense variant.
Genome position (GRCh38, 1-based): chr16:53,637,713, C>T on the plus strand (G>A on the coding strand, the complement: RPGRIP1L is on the minus strand). VCF-style: chr16-53637713-C-T. GRCh37 (hg19) VCF-style: chr16-53671625-C-T.
Other names: c.3100G>A, p.Glu1034Lys (NM_001127897.4, NM_001330538.2); c.3202G>A, p.Glu1068Lys (NM_001308334.3); c.3202G>A (NM_015272.4); short protein forms E1034K, E1068K.
Identifiers: ClinVar variation 991011 (VCV000991011.5), dbSNP rs771457754, ClinGen allele CA8057348.
Genomic context (GRCh38, chr16:53,637,713, plus strand): 5'-ACAGGGTTAACTAAACAATGTTAGTTTAAATAAGAAAGTCACCTTCTGGTTCCAAGTCCT[C>T]TGTTATTTCTGTTTCATCTTCAGAAGATGCCAAGCTTTGTTCTGCAAGCTGACCTTCAGA-3'
Protein context (NP_056087.2, residues 1058-1078): ASSEDETEIT[Glu1068Lys]DLEPEVEEDM

ClinVar aggregate classification (germline): Uncertain significance. Review status: criteria provided, multiple submitters, no conflicts (2 of 4 stars). 4 submissions from 4 submitters: Uncertain significance (3). 1 of the submissions does not count toward it. Last evaluated 2026-07-21.

Conditions:
RPGRIP1L-related disorder. Also called: RPGRIP1L-related condition; RPGRIP1L-related disorders. Identifiers: MedGen CN239416.
Joubert syndrome. Also called: Familial aplasia of the vermis; JOUBERT-BOLTSHAUSER SYNDROME. Identifiers: Orphanet 475, MedGen C5979921, MONDO:0018772.
Meckel-Gruber syndrome. Also called: GRUBER SYNDROME; Dysencephalia splachnocystica; DYSENCEPHALIA SPLANCHNOCYSTICA. Identifiers: Orphanet 564, MedGen C0265215, MONDO:0018921.

Allele frequency attached by ClinVar (database versions not stated): TOPMed below 0.00001; ExAC 0.00002; gnomAD exomes 0.00002 and 0.00003.
gnomAD v4.1: 28 of 1,610,192 alleles (0.0017%); highest among the groups gnomAD compares: South Asian, 0.0066%; no homozygotes.

Submissions (4):

PreventionGenetics, part of Exact Sciences
Classification: Uncertain significance for RPGRIP1L-related condition. Last evaluated: 2026-07-21. Review status: criteria provided, single submitter. Criteria: ACMG Guidelines, 2015. Collection method: clinical testing. Allele origin: germline.
Comment: The RPGRIP1L c.3202G>A variant is predicted to result in the amino acid substitution p.Glu1068Lys. To our knowledge, this variant has not been reported in the literature. This variant is reported in 0.0058% of alleles in individuals of Latino descent in gnomAD. At this time, the clinical significance of this variant is uncertain due to the absence of conclusive functional and genetic evidence.

Blueprint Genetics
Classification: Uncertain significance. Last evaluated: 2024-10-29. Review status: criteria provided, single submitter. Criteria: ACMG Guidelines, 2015. Collection method: clinical testing. Allele origin: germline.

Labcorp Genetics (formerly Invitae), Labcorp
Classification: Uncertain significance for Joubert syndrome; Meckel-Gruber syndrome. Last evaluated: 2021-11-15. Review status: criteria provided, single submitter. Criteria: Invitae Variant Classification Sherloc (09022015). Collection method: clinical testing. Allele origin: germline.
Comment: This sequence change replaces glutamic acid, which is acidic and polar, with lysine, which is basic and polar, at codon 1068 of the RPGRIP1L protein (p.Glu1068Lys). This variant is present in population databases (rs771457754, gnomAD 0.006%). This variant has not been reported in the literature in individuals affected with RPGRIP1L-related conditions. ClinVar contains an entry for this variant (Variation ID: 991011). Algorithms developed to predict the effect of missense changes on protein structure and function are either unavailable or do not agree on the potential impact of this missense change (SIFT: "Deleterious"; PolyPhen-2: "Probably Damaging"; Align-GVGD: "Class C15"). In summary, the available evidence is currently insufficient to determine the role of this variant in disease. Therefore, it has been classified as a Variant of Uncertain Significance.

Natera, Inc.
Classification: Uncertain significance for Joubert syndrome. Last evaluated: 2020-08-27. Review status: no assertion criteria provided. Collection method: clinical testing. Allele origin: germline. Not counted in ClinVar's aggregate classification.